The following is an entry in ClinVar:

NM_030630.3(HID1):c.1422C>T (p.His474=)

Gene: HID1 (HID1 domain containing; minus strand). Cytogenetic location: 17q25.1.
Variant type: single nucleotide variant.
Coding change: c.1422C>T on transcript NM_030630.3 (MANE Select); coding-DNA position 1422, C replaced by T.
Protein change: p.His474=; no amino-acid change (histidine 474 retained).
Molecular consequence: synonymous variant.
Genome position (GRCh38, 1-based): chr17:74,958,190, G>A on the plus strand (C>T on the coding strand, the complement: HID1 is on the minus strand). VCF-style: chr17-74958190-G-A. GRCh37 (hg19) VCF-style: chr17-72954285-G-A.
Identifiers: ClinVar variation 2648248 (VCV002648248.24), dbSNP rs145277511, ClinGen allele CA8755654.
Genomic context (GRCh38, chr17:74,958,190, plus strand): 5'-CGGGCCCCTACCGTTGACCACGATGGTGAGCAGGCAGTCGAAGAGGGGCTGCAACCGCTG[G>A]TGCCCGCTGGTGATGATCTTGTGGAACACCTGTGCCAGGAGGGACAGAGGCACCGTGGGG-3'
Protein context (NP_085133.1, residues 464-484): VVFHKIITSG[His474=]QRLQPLFDCL

ClinVar aggregate classification (germline): Likely benign (1 of 4 stars; one submission).

Allele frequency attached by ClinVar (database versions not stated): ESP Exome Variant Server 0.00215.
gnomAD v4.1: 3,684 of 1,611,362 alleles (0.23%); highest among the groups gnomAD compares: Non-Finnish European, 0.26%; 12 homozygotes.

Submission:

CeGaT Center for Human Genetics Tuebingen
Classification: Likely benign. Last evaluated: 2022-09-01. Review status: criteria provided, single submitter. Criteria: CeGaT Center For Human Genetics Tuebingen Variant Classification Criteria Version 2. Collection method: clinical testing. Allele origin: germline. Affected: yes. Observed: 1 variant allele.
Comment: HID1: BP4, BP7